The following is an entry in ClinVar:

ClinVar aggregate classification (germline): Uncertain significance (1 of 4 stars; one submission).

Allele frequency attached by ClinVar (database versions not stated): gnomAD exomes below 0.00001 and 0.00001; gnomAD 0.00001; TOPMed 0.00001.
gnomAD v4.1: 7 of 1,613,604 alleles (0.00043%); highest among the groups gnomAD compares: South Asian, 0.0044%; no homozygotes.

Submission:

Labcorp Genetics (formerly Invitae), Labcorp
Classification: Uncertain significance. Last evaluated: 2022-06-20. Review status: criteria provided, single submitter. Criteria: Invitae Variant Classification Sherloc (09022015). Collection method: clinical testing. Allele origin: germline.
Comment: Algorithms developed to predict the effect of missense changes on protein structure and function are either unavailable or do not agree on the potential impact of this missense change (SIFT: "Not Available"; PolyPhen-2: "Probably Damaging"; Align-GVGD: "Not Available"). Algorithms developed to predict the effect of sequence changes on RNA splicing suggest that this variant may create or strengthen a splice site. In summary, the available evidence is currently insufficient to determine the role of this variant in disease. Therefore, it has been classified as a Variant of Uncertain Significance. ClinVar contains an entry for this variant (Variation ID: 1057424). This variant has not been reported in the literature in individuals affected with UNC119-related conditions. This variant is present in population databases (no rsID available, gnomAD 0.006%). This sequence change replaces aspartic acid, which is acidic and polar, with tyrosine, which is neutral and polar, at codon 120 of the UNC119 protein (p.Asp120Tyr).

NM_005148.4(UNC119):c.358G>T (p.Asp120Tyr)

Gene: UNC119 (unc-119 lipid binding chaperone; minus strand). Cytogenetic location: 17q11.2.
Variant type: single nucleotide variant.
Coding change: c.358G>T on transcript NM_005148.4 (MANE Select); coding-DNA position 358, G replaced by T.
Protein change: p.Asp120Tyr; replaces aspartic acid 120 with tyrosine.
Molecular consequence: missense variant.
Genome position (GRCh38, 1-based): chr17:28,548,078, C>A on the plus strand (G>T on the coding strand, the complement: UNC119 is on the minus strand). VCF-style: chr17-28548078-C-A. GRCh37 (hg19) VCF-style: chr17-26875096-C-A.
Other names: c.73G>T, p.Asp25Tyr (NM_001330166.2); c.358G>T, p.Asp120Tyr (NM_054035.2); short protein forms D120Y, D25Y.
Identifiers: ClinVar variation 1057424 (VCV001057424.5), dbSNP rs912762781, ClinGen allele CA289104135.